The following is an entry in ClinVar:

ClinVar aggregate classification (germline): Uncertain significance (1 of 4 stars; one submission).

gnomAD v4.1: 3 of 1,613,950 alleles (0.00019%); highest among the groups gnomAD compares: East Asian, 0.0022%; no homozygotes.

Submission:

CeGaT Center for Human Genetics Tuebingen
Classification: Uncertain significance. Last evaluated: 2026-02-01. Review status: criteria provided, single submitter. Criteria: CeGaT Center For Human Genetics Tuebingen Variant Classification Criteria Version 2. Collection method: clinical testing. Allele origin: germline. Affected: yes. Observed: 1 variant allele.
Comment: PCDH15: PM2

NM_001384140.1(PCDH15):c.2089G>C (p.Gly697Arg)

Gene: PCDH15 (protocadherin related 15; minus strand). Cytogenetic location: 10q21.1.
Variant type: single nucleotide variant.
Coding change: c.2089G>C on transcript NM_001384140.1 (MANE Select); coding-DNA position 2089, G replaced by C.
Protein change: p.Gly697Arg; replaces glycine 697 with arginine.
Molecular consequence: missense variant.
Genome position (GRCh38, 1-based): chr10:54,079,333, C>G on the plus strand (G>C on the coding strand, the complement: PCDH15 is on the minus strand). VCF-style: chr10-54079333-C-G. GRCh37 (hg19) VCF-style: chr10-55839093-C-G.
Other names: c.2104G>C, p.Gly702Arg (NM_001142763.2, NM_001142771.2); c.2089G>C, p.Gly697Arg (NM_001142764.2, NM_001142766.2, NM_001142770.3 and 5 more transcripts); c.1876G>C, p.Gly626Arg (NM_001142765.2); c.1978G>C, p.Gly660Arg (NM_001142767.2); c.2023G>C, p.Gly675Arg (NM_001142768.2, NM_001142773.2, NM_001354404.2); c.2125G>C, p.Gly709Arg (NM_001142769.4); c.2110G>C, p.Gly704Arg (NM_001354411.2); short protein forms G626R, G660R, G675R, G697R, G702R, G704R, G709R.
Identifiers: ClinVar variation 4823374 (VCV004823374.4).